The following is an entry in ClinVar:

NM_003072.5(SMARCA4):c.4853G>C (p.Arg1618Pro)

Gene: SMARCA4 (SWI/SNF related BAF chromatin remodeling complex subunit ATPase 4; plus strand). Cytogenetic location: 19p13.2.
Variant type: single nucleotide variant.
Coding change: c.4853G>C on transcript NM_003072.5 (MANE Select); coding-DNA position 4853, G replaced by C.
Protein change: p.Arg1618Pro; replaces arginine 1618 with proline.
Molecular consequence: missense variant. On other transcripts: non-coding transcript variant (1).
Genome position (GRCh38, 1-based): chr19:11,060,129, G>C. VCF-style: chr19-11060129-G-C. GRCh37 (hg19) VCF-style: chr19-11170805-G-C.
Other names: c.4853G>C, p.Arg1618Pro (NM_001128844.3); c.4763G>C, p.Arg1588Pro (NM_001128845.2); c.4760G>C, p.Arg1587Pro (NM_001128846.2); c.4754G>C, p.Arg1585Pro (NM_001128847.4, NM_001374457.1); c.4751G>C, p.Arg1584Pro (NM_001128848.2); c.4949G>C, p.Arg1650Pro (NM_001128849.3, NM_001387283.1); short protein forms R1584P, R1650P, R1618P, R1585P, R1587P, R1588P.
Identifiers: ClinVar variation 648433 (VCV000648433.8), dbSNP rs1029465394, ClinGen allele CA404080734.
Genomic context (GRCh38, chr19:11,060,129, plus strand): 5'-AGCTTGGCCGGAAGGAGAAGGCACAGGACCGGCTGAAGGGCGGCCGGCGGCGGCCGAGCC[G>C]AGGGTCCCGAGCCAAGCCGGTCGTGAGTGACGATGACAGTGAGGAGGAACAAGAGGAGGT-3'
Protein context (NP_003063.2, residues 1608-1628): RLKGGRRRPS[Arg1618Pro]GSRAKPVVSD

ClinVar aggregate classification (germline): Uncertain significance (1 of 4 stars; one submission).

Conditions:
Rhabdoid tumor predisposition syndrome 2 (RTPS2). Identifiers: Orphanet 231108, Orphanet 69077, MedGen C2750074, MONDO:0013224, OMIM 613325.

Submission:

Labcorp Genetics (formerly Invitae), Labcorp
Classification: Uncertain significance for Rhabdoid tumor predisposition syndrome 2. Last evaluated: 2018-10-13. Review status: criteria provided, single submitter. Criteria: Invitae Variant Classification Sherloc (09022015). Collection method: clinical testing. Allele origin: germline.
Comment: In summary, the available evidence is currently insufficient to determine the role of this variant in disease. Therefore, it has been classified as a Variant of Uncertain Significance. Algorithms developed to predict the effect of missense changes on protein structure and function (SIFT, PolyPhen-2, Align-GVGD) all suggest that this variant is likely to be disruptive, but these predictions have not been confirmed by published functional studies and their clinical significance is uncertain. This variant has not been reported in the literature in individuals with SMARCA4-related disease. This variant is not present in population databases (ExAC no frequency). This sequence change replaces arginine with proline at codon 1650 of the SMARCA4 protein (p.Arg1650Pro). The arginine residue is highly conserved and there is a moderate physicochemical difference between arginine and proline.